The following is an entry in ClinVar:

ClinVar aggregate classification (germline): Pathogenic (1 of 4 stars; one submission).

Conditions:
Hereditary cancer-predisposing syndrome. Also called: Tumor predisposition; Hereditary Cancer Syndrome; Hereditary neoplastic syndrome; Neoplastic Syndromes, Hereditary. Identifiers: Orphanet 140162, MedGen C0027672, MeSH D009386, MONDO:0015356.

gnomAD v4.1: 1 of 1,612,250 alleles (0.000062%); highest among the groups gnomAD compares: Non-Finnish European, 0.000085%; no homozygotes.

Submission:

Ambry Genetics
Classification: Pathogenic for Hereditary cancer-predisposing syndrome. Last evaluated: 2025-10-15. Review status: criteria provided, single submitter. Criteria: Ambry Variant Classification Scheme 2023. Collection method: clinical testing. Allele origin: germline.
Comment: The c.244+1G>A intronic pathogenic mutation results from a G to A substitution one nucleotide after coding exon 1 of the TMEM127 gene. In silico splice site analysis predicts that this alteration will weaken the native splice donor site. The stop codon in the predicted resulting transcript occurs in the 5' end ofthe gene. As such, this alteration may escape nonsense-mediated mRNAdecay and/or be prone to rescue by reinitiation (Rivas et al. Science. 2015 May 8;348(6235):666-9; Lindeboom et al. Nat Genet. 2016 Oct;48(10):1112-8; Rhee et al. Sci Rep. 2017 May 10;7(1):1653). The exact functional effect of this alteration is unknown; however, the region predicted to be impacted is critical for protein function and a significant portion of the protein is affected (Ambry internal data). This variant is considered to be rare based on population cohorts in the Genome Aggregation Database (gnomAD). This nucleotide position is highly conserved in available vertebrate species. Based on the supporting evidence, this variant is interpreted as a disease-causing mutation.

NM_017849.4(TMEM127):c.244+1G>A

Gene: TMEM127 (transmembrane protein 127; minus strand). Cytogenetic location: 2q11.2.
Variant type: single nucleotide variant.
Coding change: c.244+1G>A on transcript NM_017849.4 (MANE Select); the canonical splice donor site of the intron after coding-DNA position 244, G replaced by A.
Molecular consequence: splice donor variant. On other transcripts: intron variant (1).
Genome position (GRCh38, 1-based): chr2:96,265,137, C>T on the plus strand (G>A on the coding strand, the complement: TMEM127 is on the minus strand). VCF-style: chr2-96265137-C-T. GRCh37 (hg19) VCF-style: chr2-96930875-C-T.
Other names: c.-9+732G>A (NM_001407283.1); c.244+1G>A (NM_001193304.3).
Identifiers: ClinVar variation 4552090 (VCV004552090.1).
Genomic context (GRCh38, chr2:96,265,137, plus strand): 5'-TCAGCCAGAACACATTCTGTCCCCCACCGAGGCTTTAAGGGCCAGCGCGCAGCACCCTCA[C>T]CTTTCAGCAGGTCCGGGTGCACATAGCCCAACACGTCGGAGACCCCCAGCTCCTGGCGCG-3'